The following is an entry in ClinVar:

ClinVar aggregate classification (germline): Uncertain significance (1 of 4 stars; one submission).

Conditions:
Dilated cardiomyopathy 1P (CMD1P). Identifiers: Orphanet 154, MedGen C1835928, MONDO:0012362, OMIM 609909.

Submission:

Labcorp Genetics (formerly Invitae), Labcorp
Classification: Uncertain significance for Dilated cardiomyopathy 1P. Last evaluated: 2025-06-20. Review status: criteria provided, single submitter. Criteria: Invitae Variant Classification Sherloc (09022015). Collection method: clinical testing. Allele origin: germline.
Comment: This sequence change is expected to alter the c-terminus of the PLN protein (p.Val49Lysfs*7). While this is not anticipated to result in nonsense mediated decay, it is expected to disrupt the last 4 amino acid(s) of the PLN protein and extend the protein by 2 additional amino acid residues. This variant is not present in population databases (gnomAD no frequency). This variant has not been reported in the literature in individuals affected with PLN-related conditions. ClinVar contains an entry for this variant (Variation ID: 1949069). Experimental studies and prediction algorithms are not available or were not evaluated, and the functional significance of this variant is currently unknown. In summary, the available evidence is currently insufficient to determine the role of this variant in disease. Therefore, it has been classified as a Variant of Uncertain Significance.

NM_002667.5(PLN):c.145_158del (p.Val49fs)

Genes: PLN (phospholamban; plus strand), CEP85L (centrosomal protein 85L; minus strand). Cytogenetic location: 6q22.31.
Variant type: Deletion.
Coding change: c.145_158del on transcript NM_002667.5 (MANE Select); coding-DNA positions 145 to 158, 14 bases deleted (GTGATGCTTCTCTG).
Protein change: p.Val49fs; shifts the reading frame from valine 49.
Molecular consequence: frameshift variant. On other transcripts: intron variant (3).
Genome position (GRCh38, 1-based): chr6:118,559,066-118,559,079, GTGATGCTTCTCTG deleted. VCF-style (leftmost placement, unchanged base first): chr6-118559065-CGTGATGCTTCTCTG-C. GRCh37 (hg19) VCF-style: chr6-118880228-CGTGATGCTTCTCTG-C.
Other names: c.1029+6450_1029+6463del (NM_001178035.2); c.1020+6450_1020+6463del (NM_001042475.3, NM_206921.3); short protein forms V49fs.
Identifiers: ClinVar variation 1949069 (VCV001949069.5), dbSNP rs2534334275, ClinGen allele CA2580074820.
Genomic context (GRCh38, chr6:118,559,065, plus strand): 5'-ACAGAATCTATTTATCAATTTCTGTCTCATCTTAATATGTCTCTTGCTGATCTGTATCAT[CGTGATGCTTCTCTG>C]AAGTTCTGCTACAACCTCTAGATCTGCAGCTTGCCACATCAGCTTAAAATCTGTCATCCC-3'